The following is an entry in ClinVar:

NM_152618.3(BBS12):c.1446A>G (p.Val482=)

Gene: BBS12 (Bardet-Biedl syndrome 12; plus strand). Cytogenetic location: 4q27.
Variant type: single nucleotide variant.
Coding change: c.1446A>G on transcript NM_152618.3 (MANE Select); coding-DNA position 1446, A replaced by G.
Protein change: p.Val482=; no amino-acid change (valine 482 retained).
Molecular consequence: synonymous variant.
Genome position (GRCh38, 1-based): chr4:122,743,338, A>G. VCF-style: chr4-122743338-A-G. GRCh37 (hg19) VCF-style: chr4-123664493-A-G.
Other names: c.1446A>G (NM_152618.2); c.1446A>G, p.Val482= (NM_001178007.2).
Identifiers: ClinVar variation 2771947 (VCV002771947.4), dbSNP rs2485076742, ClinGen allele CA441121150.

ClinVar aggregate classification (germline): Likely benign. Review status: criteria provided, single submitter (1 of 4 stars). 2 submissions from 2 submitters: Likely benign (1). 1 of the submissions does not count toward it. Last evaluated 2025-02-06.

Conditions:
Bardet-Biedl syndrome (BBS). Identifiers: Orphanet 110, MedGen C0752166, MONDO:0015229.
BBS12-related disorder. Also called: BBS12-related condition.

Submissions (2):

Labcorp Genetics (formerly Invitae), Labcorp
Classification: Likely benign for Bardet-Biedl syndrome. Last evaluated: 2025-02-06. Review status: criteria provided, single submitter. Criteria: Invitae Variant Classification Sherloc (09022015). Collection method: clinical testing. Allele origin: germline.

PreventionGenetics, part of Exact Sciences
Classification: Likely benign for BBS12-related condition. Last evaluated: 2023-12-27. Review status: no assertion criteria provided. Collection method: clinical testing. Allele origin: germline. Not counted in ClinVar's aggregate classification.
Comment: This variant is classified as likely benign based on ACMG/AMP sequence variant interpretation guidelines (Richards et al. 2015 PMID: 25741868, with internal and published modifications).